The following is an entry in ClinVar:

NM_020207.7(ERCC6L2):c.1930C>T (p.Arg644Ter)

Gene: ERCC6L2 (ERCC excision repair 6 like 2; plus strand). Cytogenetic location: 9q22.32.
Variant type: single nucleotide variant.
Coding change: c.1930C>T on transcript NM_020207.7 (MANE Select); coding-DNA position 1930, C replaced by T.
Protein change: p.Arg644Ter; replaces arginine 644 with a stop codon.
Molecular consequence: nonsense. On other transcripts: non-coding transcript variant (1).
Genome position (GRCh38, 1-based): chr9:95,955,996, C>T. VCF-style: chr9-95955996-C-T. GRCh37 (hg19) VCF-style: chr9-98718278-C-T.
Other names: R655*; c.1930C>T, p.Arg644Ter (NM_001010895.4, NM_001375291.1, NM_001375292.1 and 2 more transcripts); c.1963C>T (NM_001010895.2); short protein forms R644*.
Identifiers: ClinVar variation 125449 (VCV000125449.23), dbSNP rs147948835, ClinGen allele CA150843.

ClinVar aggregate classification (germline): Pathogenic/Likely pathogenic. Review status: criteria provided, multiple submitters, no conflicts (2 of 4 stars). 14 submissions from 14 submitters: Pathogenic (10); Likely pathogenic (1). 3 of the submissions do not count toward it. Last evaluated 2026-07-15.

Conditions:
ERCC6L2-related disorders.
ERCC6L2-related disorder. Also called: ERCC6L2-related condition.
Hereditary cancer-predisposing syndrome. Also called: Neoplastic Syndromes, Hereditary; Tumor predisposition; Hereditary Cancer Syndrome; Hereditary neoplastic syndrome. Identifiers: Orphanet 140162, MedGen C0027672, MeSH D009386, MONDO:0015356.
Pancytopenia-developmental delay syndrome. Also called: Bone marrow failure syndrome 2. Identifiers: Orphanet 401764, MedGen C3810350, MONDO:0014317, OMIM 615715.

Allele frequency attached by ClinVar (database versions not stated): ExAC 0.00016; gnomAD exomes 0.00016; gnomAD 0.00021 and 0.00022; TOPMed 0.00025; ESP Exome Variant Server 0.00046.
gnomAD v4.1: 446 of 1,594,454 alleles (0.028%); highest among the groups gnomAD compares: Non-Finnish European, 0.037%; no homozygotes.

Submissions (14):

Department of Clinical Genetics, Copenhagen University Hospital, Rigshospitalet
Classification: Pathogenic for Pancytopenia-developmental delay syndrome. Last evaluated: 2026-07-15. Review status: criteria provided, single submitter. Criteria: ACMG Guidelines, 2015. Collection method: clinical testing. Allele origin: germline.
Comment: The following ACMG criteria has been used: PVS1 and PS4_MOD

PreventionGenetics, part of Exact Sciences
Classification: Likely pathogenic for ERCC6L2-related condition. Last evaluated: 2026-06-24. Review status: criteria provided, single submitter. Criteria: ACMG Guidelines, 2015. Collection method: clinical testing. Allele origin: germline.
Comment: The ERCC6L2 c.1963C>T variant is predicted to result in premature protein termination (p.Arg655*). This variant has been reported in multiple individuals with bone marrow failure (Bluteau et al. 2017. PubMed ID: 29146883; Tummala et al. 2014. PubMed ID: 24507776; Zhang et al. 2016. PubMed ID: 27185855). This variant is reported in 0.030% of alleles in individuals of European (Non-Finnish) descent in gnomAD. Nonsense variants in ERCC6L2 are expected to be pathogenic. This variant is interpreted as likely pathogenic.

Labcorp Genetics (formerly Invitae), Labcorp
Classification: Pathogenic. Last evaluated: 2026-02-01. Review status: criteria provided, single submitter. Criteria: Invitae Variant Classification Sherloc (09022015). Collection method: clinical testing. Allele origin: germline.
Comment: This sequence change creates a premature translational stop signal (p.Arg655*) in the ERCC6L2 gene. It is expected to result in an absent or disrupted protein product. Loss-of-function variants in ERCC6L2 are known to be pathogenic (PMID: 24507776, 27185855, 29146883, 29987015). This variant is present in population databases (rs147948835, gnomAD 0.03%). This premature translational stop signal has been observed in individual(s) with bone marrow failure (PMID: 24507776, 27185855, 29146883). ClinVar contains an entry for this variant (Variation ID: 125449). For these reasons, this variant has been classified as Pathogenic.

3billion
Classification: Pathogenic for Pancytopenia-developmental delay syndrome. Last evaluated: 2025-05-26. Review status: criteria provided, single submitter. Criteria: ACMG Guidelines, 2015. Collection method: clinical testing. Allele origin: germline. Affected: yes.
Comment: The variant is observed at an extremely low frequency in the gnomAD v4.1.0 dataset (total allele frequency: 0.028%). Predicted Consequence/Location: Stop-gained (nonsense): predicted to result in a loss or disruption of normal protein function through nonsense-mediated decay (NMD) or protein truncation. Multiple pathogenic variants are reported downstream of the variant. In silico tools predict the variant to alter splicing and produce an abnormal transcript [SpliceAI: 0.36 (spliceogenicity >=0.2, non-spliceogenicity <0.1)]. The variant has been reported at least twice as pathogenic with clinical assertions and evidence for the classification (ClinVar ID: VCV000125449 /PMID: 24507776). Therefore, this variant is classified as Pathogenic according to the recommendation of ACMG/AMP guideline.

Laboratory of Genetics, Children's Clinical University Hospital Latvia
Classification: Pathogenic. Last evaluated: 2025-02-16. Review status: criteria provided, single submitter. Criteria: ACMG Guidelines, 2015. Collection method: clinical testing. Allele origin: germline. Affected: yes.

Blueprint Genetics
Classification: Pathogenic for ERCC6L2-related disorders. Last evaluated: 2024-11-13. Review status: criteria provided, single submitter. Criteria: ACMG Guidelines, 2015. Collection method: clinical testing. Allele origin: germline. Affected: yes. Observed: 5 variant alleles.

GeneDx
Classification: Pathogenic. Last evaluated: 2023-05-16. Review status: criteria provided, single submitter. Criteria: GeneDx Variant Classification Process June 2021. Collection method: clinical testing. Allele origin: germline. Affected: yes.
Comment: Nonsense variant predicted to result in protein truncation or nonsense mediated decay in a gene for which loss-of-function is a known mechanism of disease; Published functional studies demonstrate a damaging effect of this variant, which formed abnormal cytoplasmic aggregates and localized to autophagic vacuoles (Tummala et al., 2014); This variant is associated with the following publications: (PMID: 24507776, 29146883, 27185855, 37011912)

Genetic Services Laboratory, University of Chicago
Classification: Pathogenic. Last evaluated: 2023-04-18. Review status: criteria provided, single submitter. Criteria: ACMG Guidelines, 2015. Collection method: clinical testing. Allele origin: germline. Affected: yes.
Comment: DNA sequence analysis of the ERCC6L2 gene demonstrated a sequence change, c.1963C>T, which results in the creation of a premature stop codon at amino acid position 655, p.Arg655*. This pathogenic sequence change is predicted to result in an abnormal transcript, which may be degraded, or may lead to the production of a truncated ERCC6L2 protein with potentially abnormal function. Functional studies have demonstrated that cells with this variant in the homozygous state do not express ERCC6L2 and form aggregates (PMID: 24507776). This sequence change has been described in the gnomAD database with a frequency of 0.016% in the overall population (dbSNP rs147948835). This pathogenic sequence change has previously been described in the homozygous state in individuals with ERCC6L2-related bone marrow syndrome (PMID: 29146883, 24507776). These collective evidences indicate that this sequence change is pathogenic.

Institute for Medical Genetics and Human Genetics, Charité - Universitätsmedizin Berlin
Classification: Pathogenic for Pancytopenia-developmental delay syndrome. Last evaluated: 2022-09-27. Review status: criteria provided, single submitter. Criteria: ACMG Guidelines, 2015. Collection method: clinical testing. Allele origin: germline. Inheritance: Autosomal recessive inheritance. Affected: yes. Observed: 2 homozygotes. Clinical features observed: Thrombocytopenia (HP:0001873), Decreased total leukocyte count (HP:0001882).

Fulgent Genetics
Classification: Pathogenic for Pancytopenia-developmental delay syndrome. Last evaluated: 2022-03-22. Review status: criteria provided, single submitter. Criteria: ACMG Guidelines, 2015. Collection method: clinical testing. Allele origin: unknown.

Hauer Lab, Department Of Pediatric Oncology, Technical University Munich
Classification: Pathogenic for Hereditary cancer-predisposing syndrome. Review status: criteria provided, single submitter. Criteria: ACMG Guidelines, 2015. Collection method: research. Allele origin: germline. Inheritance: Autosomal recessive inheritance. Affected: yes. Observed: 1 variant allele.
Comment: ACMG/AMP, PVS1, PM2, PP5

OMIM
Classification: Pathogenic for BONE MARROW FAILURE SYNDROME 2. Last evaluated: 2014-02-06. Review status: no assertion criteria provided. Collection method: literature only. Allele origin: germline. Not counted in ClinVar's aggregate classification.

Diagnostic Laboratory, Department of Genetics, University Medical Center Groningen
Classification: Pathogenic. Review status: no assertion criteria provided. Collection method: clinical testing. Allele origin: germline. Affected: yes. Study: VKGL Data-share Consensus. Not counted in ClinVar's aggregate classification.

Genome Diagnostics Laboratory, University Medical Center Utrecht
Classification: Likely pathogenic. Review status: no assertion criteria provided. Collection method: clinical testing. Allele origin: germline. Affected: yes. Study: VKGL Data-share Consensus. Not counted in ClinVar's aggregate classification.

Literature cited by the submitters: PubMed 42264930 (cited by Department of Clinical Genetics, Copenhagen University Hospital, Rigshospitalet); PubMed 24507776 (cited by 3 submitters); PubMed 27185855 (cited by Labcorp Genetics (formerly Invitae), Labcorp and OMIM); PubMed 29146883 (cited by Labcorp Genetics (formerly Invitae), Labcorp); PubMed 29987015 (cited by Labcorp Genetics (formerly Invitae), Labcorp); PubMed 37149759 (cited by Hauer Lab, Department Of Pediatric Oncology, Technical University Munich).